The following is an entry in ClinVar:

ClinVar aggregate classification (germline): Conflicting classifications of pathogenicity. Review status: criteria provided, conflicting classifications (1 of 4 stars). 2 submissions from 2 submitters: Uncertain significance (1); Likely benign (1). Last evaluated 2025-01-02.

gnomAD v4.1: 3 of 1,614,102 alleles (0.00019%); highest among the groups gnomAD compares: Admixed American, 0.0017%; no homozygotes.

Submissions (2):

Women's Health and Genetics/Laboratory Corporation of America, LabCorp
Classification: Likely benign. Last evaluated: 2025-01-02. Review status: criteria provided, single submitter. Criteria: LabCorp Variant Classification Summary - May 2015. Collection method: clinical testing. Allele origin: germline.
Comment: Variant summary: SMARCA2 c.4200-9C>G alters a conserved nucleotide located at a position not widely known to affect splicing. Consensus agreement among computation tools predict no significant impact on normal splicing. However, these predictions have yet to be confirmed by functional studies. The variant allele was found at a frequency of 8e-06 in 251288 control chromosomes. The available data on variant occurrences in the general population are insufficient to allow any conclusion about variant significance. To our knowledge, no occurrence of c.4200-9C>G in individuals affected with Nicolaides-Baraitser Syndrome and no experimental evidence demonstrating its impact on protein function have been reported. No submitters have cited clinical-significance assessments for this variant to ClinVar. Based on the evidence outlined above, the variant was classified as likely benign.

Labcorp Genetics (formerly Invitae), Labcorp
Classification: Uncertain significance. Last evaluated: 2024-08-28. Review status: criteria provided, single submitter. Criteria: Invitae Variant Classification Sherloc (09022015). Collection method: clinical testing. Allele origin: germline.
Comment: This sequence change falls in intron 28 of the SMARCA2 gene. It does not directly change the encoded amino acid sequence of the SMARCA2 protein. This variant is present in population databases (rs757097815, gnomAD 0.003%). This variant has not been reported in the literature in individuals affected with SMARCA2-related conditions. Algorithms developed to predict the effect of sequence changes on RNA splicing suggest that this variant may disrupt the consensus splice site. In summary, the available evidence is currently insufficient to determine the role of this variant in disease. Therefore, it has been classified as a Variant of Uncertain Significance.

NM_003070.5(SMARCA2):c.4200-9C>G

Gene: SMARCA2 (SWI/SNF related BAF chromatin remodeling complex subunit ATPase 2; plus strand). Cytogenetic location: 9p24.3.
Variant type: single nucleotide variant.
Coding change: c.4200-9C>G on transcript NM_003070.5 (MANE Select); 9 bases into the intron before coding-DNA position 4200, C replaced by G.
Molecular consequence: intron variant.
Genome position (GRCh38, 1-based): chr9:2,170,410, C>G. VCF-style: chr9-2170410-C-G. GRCh37 (hg19) VCF-style: chr9-2170410-C-G.
Other names: c.4199+8507C>G (NM_139045.4); c.4025+8507C>G (NM_001289397.2); c.4200-9C>G (NM_001289396.2); c.227+8507C>G (NM_001289398.2); c.317+8507C>G (NM_001289400.2); c.311+8507C>G (NM_001289399.2).
Identifiers: ClinVar variation 3628399 (VCV003628399.4).